The following is an entry in ClinVar:

ClinVar aggregate classification (germline): Uncertain significance. Review status: criteria provided, multiple submitters, no conflicts (2 of 4 stars). 3 submissions from 3 submitters: Uncertain significance (2). 1 of the submissions does not count toward it. Last evaluated 2025-05-13.

Conditions:
NOD2-related disorder. Also called: NOD2-related condition.
Regional enteritis. Also called: Enteritis, Granulomatous. Identifiers: MedGen C0678202, MeSH D003424.
Blau syndrome (BLAUS). Also called: GRANULOMATOSIS, FAMILIAL JUVENILE SYSTEMIC; GRANULOMATOSIS, FAMILIAL, BLAU TYPE; GRANULOMATOUS INFLAMMATORY ARTHRITIS, DERMATITIS, AND UVEITIS, FAMILIAL; JABS SYNDROME; ARTHROCUTANEOUVEAL GRANULOMATOSIS. Identifiers: Orphanet 90340, MedGen C5201146, MONDO:0008523, OMIM 186580.

Allele frequency attached by ClinVar (database versions not stated): ExAC 0.00001; gnomAD exomes 0.00001.
gnomAD v4.1: 6 of 1,613,210 alleles (0.00037%); highest among the groups gnomAD compares: Middle Eastern, 0.017%; no homozygotes.

Submissions (3):

PreventionGenetics, part of Exact Sciences
Classification: Uncertain significance for NOD2-related condition. Last evaluated: 2025-05-13. Review status: criteria provided, single submitter. Criteria: ACMG Guidelines, 2015. Collection method: clinical testing. Allele origin: germline.
Comment: The NOD2 c.2127G>A variant is predicted to result in premature protein termination (p.Trp709*). This variant has been reported in a cohort of individuals with familial Mediterranean fever (Umar et al. 2020. PubMed ID: 32853466) and in another cohort of individuals with inborn errors of immunity (Grossi et al. 2021. PubMed ID: 34573280). This variant is reported in 0.0018% of alleles in individuals of European (Non-Finnish) descent in gnomAD. Loss of function is not an established mechanism of NOD2-related disease. At this time, the clinical significance of this variant is uncertain due to the absence of conclusive functional and genetic evidence.

Labcorp Genetics (formerly Invitae), Labcorp
Classification: Uncertain significance for Regional enteritis; Blau syndrome. Last evaluated: 2022-12-30. Review status: criteria provided, single submitter. Criteria: Invitae Variant Classification Sherloc (09022015). Collection method: clinical testing. Allele origin: germline.
Comment: In summary, the available evidence is currently insufficient to determine the role of this variant in disease. Therefore, it has been classified as a Variant of Uncertain Significance. ClinVar contains an entry for this variant (Variation ID: 973657). This premature translational stop signal has been observed in individual(s) with NOD2-related conditions (PMID: 34573280). This variant is present in population databases (rs776701942, gnomAD 0.002%). This sequence change creates a premature translational stop signal (p.Trp709*) in the NOD2 gene. It is expected to result in an absent or disrupted protein product. However, the current clinical and genetic evidence is not sufficient to establish whether loss-of-function variants in NOD2 cause disease.

UOSD Laboratory of Genetics & Genomics of Rare Diseases, Istituto Giannina Gaslini
Classification: Pathogenic for Blau syndrome. Last evaluated: 2020-05-21. Review status: no assertion criteria provided. Collection method: clinical testing. Allele origin: germline. Affected: yes. Observed: 1 variant allele. Not counted in ClinVar's aggregate classification.

Literature cited by the submitters: PubMed 34573280 (cited by Labcorp Genetics (formerly Invitae), Labcorp).

NM_001370466.1(NOD2):c.2046G>A (p.Trp682Ter)

Gene: NOD2 (nucleotide binding oligomerization domain containing 2; plus strand). Cytogenetic location: 16q12.1.
Variant type: single nucleotide variant.
Coding change: c.2046G>A on transcript NM_001370466.1 (MANE Select); coding-DNA position 2046, G replaced by A.
Protein change: p.Trp682Ter; replaces tryptophan 682 with a stop codon.
Molecular consequence: nonsense. On other transcripts: non-coding transcript variant (1).
Genome position (GRCh38, 1-based): chr16:50,712,038, G>A. VCF-style: chr16-50712038-G-A. GRCh37 (hg19) VCF-style: chr16-50745949-G-A.
Other names: c.2046G>A, p.Trp682Ter (NM_001293557.2); c.2127G>A, p.Trp709Ter (NM_022162.3); short protein forms W709*, W682*.
Identifiers: ClinVar variation 973657 (VCV000973657.5), dbSNP rs776701942, ClinGen allele CA8051705.